The following is an entry in ClinVar:

ClinVar aggregate classification (germline): Uncertain significance (1 of 4 stars; one submission).

Conditions:
Inborn genetic diseases. Identifiers: MedGen C0950123, MeSH D030342.

Allele frequency attached by ClinVar (database versions not stated): gnomAD exomes below 0.00001; TOPMed below 0.00001; gnomAD 0.00001.
gnomAD v4.1: 8 of 1,613,596 alleles (0.0005%); highest among the groups gnomAD compares: Non-Finnish European, 0.00068%; no homozygotes.

Submission:

Ambry Genetics
Classification: Uncertain significance for Inborn genetic diseases. Last evaluated: 2023-10-06. Review status: criteria provided, single submitter. Criteria: Ambry Variant Classification Scheme 2023. Collection method: clinical testing. Allele origin: germline.
Comment: The p.H1229Q variant (also known as c.3687T>A), located in coding exon 27 of the LRRK2 gene, results from a T to A substitution at nucleotide position 3687. The histidine at codon 1229 is replaced by glutamine, an amino acid with highly similar properties. This amino acid position is conserved. In addition, this alteration is predicted to be tolerated by in silico analysis. Since supporting evidence is limited at this time, the clinical significance of this alteration remains unclear.

NM_198578.4(LRRK2):c.3687T>A (p.His1229Gln)

Gene: LRRK2 (leucine rich repeat kinase 2; plus strand). Cytogenetic location: 12q12.
Variant type: single nucleotide variant.
Coding change: c.3687T>A on transcript NM_198578.4 (MANE Select); coding-DNA position 3687, T replaced by A.
Protein change: p.His1229Gln; replaces histidine 1229 with glutamine.
Molecular consequence: missense variant.
Genome position (GRCh38, 1-based): chr12:40,304,044, T>A. VCF-style: chr12-40304044-T-A. GRCh37 (hg19) VCF-style: chr12-40697846-T-A.
Other names: short protein forms H1229Q.
Identifiers: ClinVar variation 1733931 (VCV001733931.2), dbSNP rs1565732571, ClinGen allele CA384416728.